The following is an entry in ClinVar:

ClinVar aggregate classification (germline): Uncertain significance (1 of 4 stars; one submission).

Conditions:
Hereditary cancer-predisposing syndrome. Also called: Neoplastic Syndromes, Hereditary; Tumor predisposition; Hereditary neoplastic syndrome; Hereditary Cancer Syndrome. Identifiers: Orphanet 140162, MedGen C0027672, MeSH D009386, MONDO:0015356.

gnomAD v4.1: 1 of 1,614,256 alleles (0.000062%); highest among the groups gnomAD compares: Non-Finnish European, 0.000085%; no homozygotes.

Submission:

Ambry Genetics
Classification: Uncertain significance for Hereditary cancer-predisposing syndrome. Last evaluated: 2024-06-07. Review status: criteria provided, single submitter. Criteria: Ambry Variant Classification Scheme 2023. Collection method: clinical testing. Allele origin: germline.
Comment: The p.M833I variant (also known as c.2499G>T), located in coding exon 15 of the PTCH1 gene, results from a G to T substitution at nucleotide position 2499. The methionine at codon 833 is replaced by isoleucine, an amino acid with highly similar properties. This amino acid position is conserved. In addition, this alteration is predicted to be tolerated by in silico analysis. Based on the available evidence, the clinical significance of this variant remains unclear.

NM_000264.5(PTCH1):c.2499G>T (p.Met833Ile)

Genes: PTCH1 (patched 1; minus strand), LOC100507346 (uncharacterized LOC100507346; plus strand). Cytogenetic location: 9q22.32.
Variant type: single nucleotide variant.
Coding change: c.2499G>T on transcript NM_000264.5 (MANE Select); coding-DNA position 2499, G replaced by T.
Protein change: p.Met833Ile; replaces methionine 833 with isoleucine.
Molecular consequence: missense variant. On other transcripts: non-coding transcript variant (2).
Genome position (GRCh38, 1-based): chr9:95,467,177, C>A on the plus strand (G>T on the coding strand, the complement: PTCH1 is on the minus strand). VCF-style: chr9-95467177-C-A. GRCh37 (hg19) VCF-style: chr9-98229459-C-A.
Other names: c.2301G>T, p.Met767Ile (NM_001083602.3); c.2496G>T, p.Met832Ile (NM_001083603.3); c.2046G>T, p.Met682Ile (NM_001083604.3, NM_001083605.3, NM_001083606.3 and 1 more transcripts); c.2343G>T, p.Met781Ile (NM_001354918.2); short protein forms M767I, M682I, M781I, M832I, M833I.
Identifiers: ClinVar variation 3311193 (VCV003311193.1).
Genomic context (GRCh38, chr9:95,467,177, plus strand): 5'-CTGAAGCCAGTCTCTGAAGTAGTGCAGCCACATTTTGGGAAGCTGTTTGTTTTCTTCCAA[C>A]ATGACATACTTCACGTTACTGAAACTCCTGTGTAGGTCGTAAAGTAAGTGCTGGATATTC-3'
Protein context (NP_000255.2, residues 823-843): HRSFSNVKYV[Met833Ile]LEENKQLPKM